The following is an entry in ClinVar:

NM_058004.4(PI4KA):c.6064C>T (p.Arg2022Ter)

Gene: PI4KA (phosphatidylinositol 4-kinase alpha; minus strand). Cytogenetic location: 22q11.21.
Variant type: single nucleotide variant.
Coding change: c.6064C>T on transcript NM_058004.4 (MANE Select); coding-DNA position 6064, C replaced by T.
Protein change: p.Arg2022Ter; replaces arginine 2022 with a stop codon.
Molecular consequence: nonsense.
Genome position (GRCh38, 1-based): chr22:20,710,718, G>A on the plus strand (C>T on the coding strand, the complement: PI4KA is on the minus strand). VCF-style: chr22-20710718-G-A. GRCh37 (hg19) VCF-style: chr22-21065006-G-A.
Other names: c.5971C>T, p.Arg1991Ter (NM_001362862.2); c.5998C>T, p.Arg2000Ter (NM_001362863.2); short protein forms R2022*, R2000*, R1991*.
Identifiers: ClinVar variation 4947005 (VCV004947005.3).

ClinVar aggregate classification (germline): Conflicting classifications of pathogenicity. Review status: criteria provided, conflicting classifications (1 of 4 stars). 2 submissions from 2 submitters: Likely pathogenic (1); Uncertain significance (1). Last evaluated 2023-03-13.

Conditions:
Gastrointestinal defects and immunodeficiency syndrome 2 (GIDID2). Also called: MULTIPLE INTESTINAL ATRESIA WITH OR WITHOUT LEUKOPENIA. Identifiers: MedGen C5676901, MONDO:0030669, OMIM 619708.
Spastic paraplegia 84, autosomal recessive (SPG84). Identifiers: Orphanet 631079, MedGen C5562025, MONDO:0030482, OMIM 619621.
Polymicrogyria, perisylvian, with cerebellar hypoplasia and arthrogryposis (NEDSPLB). Identifiers: MedGen C4225295, MONDO:0014679, OMIM 616531.

Submissions (2):

Blueprint Genetics
Classification: Uncertain significance. Last evaluated: 2023-03-13. Review status: criteria provided, single submitter. Criteria: ACMG Guidelines, 2015. Collection method: clinical testing. Allele origin: germline.

Juno Genomics, Hangzhou Juno Genomics, Inc
Classification: Likely pathogenic for Gastrointestinal defects and immunodeficiency syndrome 2; Polymicrogyria, perisylvian, with cerebellar hypoplasia and arthrogryposis; Spastic paraplegia 84, autosomal recessive. Review status: criteria provided, single submitter. Criteria: ACMG Guidelines, 2015. Collection method: clinical testing. Allele origin: germline.
Comment: Absent from controls (or at extremely low frequency if recessive) in Genome Aggregation Database.;Null variant in a gene where loss of function (LOF) is a known mechanism of disease.